The following is an entry in ClinVar:

NM_001903.5(CTNNA1):c.1592A>G (p.Gln531Arg)

Gene: CTNNA1 (catenin alpha 1; plus strand). Cytogenetic location: 5q31.2.
Variant type: single nucleotide variant.
Coding change: c.1592A>G on transcript NM_001903.5 (MANE Select); coding-DNA position 1592, A replaced by G.
Protein change: p.Gln531Arg; replaces glutamine 531 with arginine.
Molecular consequence: missense variant.
Genome position (GRCh38, 1-based): chr5:138,924,555, A>G. VCF-style: chr5-138924555-A-G. GRCh37 (hg19) VCF-style: chr5-138260244-A-G.
Other names: c.1592A>G, p.Gln531Arg (NM_001323984.2, NM_001323985.2, NM_001290307.3 and 2 more transcripts); c.482A>G, p.Gln161Arg (NM_001324000.1, NM_001324001.1, NM_001324002.1 and 17 more transcripts); c.143A>G, p.Gln48Arg (NM_001324006.1, NM_001324007.1, NM_001324008.1 and 2 more transcripts); c.389A>G, p.Gln130Arg (NM_001324011.1); c.239A>G, p.Gln80Arg (NM_001324012.1, NM_001324013.1); c.1499A>G, p.Gln500Arg (NM_001323986.2); c.1283A>G, p.Gln428Arg (NM_001290309.3); c.1223A>G, p.Gln408Arg (NM_001290310.3); short protein forms Q428R, Q48R, Q500R, Q161R, Q531R, Q130R, Q408R, Q80R.
Identifiers: ClinVar variation 2695981 (VCV002695981.3), dbSNP rs2533708266, ClinGen allele CA361131777.

ClinVar aggregate classification (germline): Uncertain significance (1 of 4 stars; one submission).

Submission:

Labcorp Genetics (formerly Invitae), Labcorp
Classification: Uncertain significance. Last evaluated: 2023-11-17. Review status: criteria provided, single submitter. Criteria: Invitae Variant Classification Sherloc (09022015). Collection method: clinical testing. Allele origin: germline.
Comment: This sequence change replaces glutamine, which is neutral and polar, with arginine, which is basic and polar, at codon 531 of the CTNNA1 protein (p.Gln531Arg). This variant is not present in population databases (gnomAD no frequency). This variant has not been reported in the literature in individuals affected with CTNNA1-related conditions. Advanced modeling of protein sequence and biophysical properties (such as structural, functional, and spatial information, amino acid conservation, physicochemical variation, residue mobility, and thermodynamic stability) performed at Invitae indicates that this missense variant is not expected to disrupt CTNNA1 protein function with a negative predictive value of 80%. In summary, the available evidence is currently insufficient to determine the role of this variant in disease. Therefore, it has been classified as a Variant of Uncertain Significance.